The following is an entry in ClinVar:

ClinVar aggregate classification (germline): Uncertain significance (1 of 4 stars; one submission).

Submission:

GeneDx
Classification: Uncertain significance. Last evaluated: 2023-06-20. Review status: criteria provided, single submitter. Criteria: GeneDx Variant Classification Process June 2021. Collection method: clinical testing. Allele origin: germline. Affected: yes.
Comment: Nonsense variant predicted to result in protein truncation or nonsense mediated decay in a gene or region of a gene for which loss of function is not a well-established mechanism of disease; Not observed at significant frequency in large population cohorts (gnomAD); Has not been previously published as pathogenic or benign to our knowledge

NM_001394062.1(MACF1):c.17033_17037dup (p.Gly5680Ter)

Gene: MACF1 (microtubule actin crosslinking factor 1; plus strand). Cytogenetic location: 1p34.3.
Variant type: Duplication.
Coding change: c.17033_17037dup on transcript NM_001394062.1 (MANE Select); coding-DNA positions 17033 to 17037, 5 bases duplicated (TGACC; older notation c.17033_17037dupTGACC).
Protein change: p.Gly5680Ter; replaces glycine 5680 with a stop codon.
Molecular consequence: nonsense.
Genome position (GRCh38, 1-based): chr1:39,429,971-39,429,975, TGACC duplicated; duplicating any 5 consecutive bases within chr1:39,429,970-39,429,975 gives the same sequence; the c. name uses the placement nearest the transcript's 3' end. VCF-style (leftmost placement, unchanged base first): chr1-39429969-A-ACTGAC. GRCh37 (hg19) VCF-style: chr1-39895641-A-ACTGAC.
Other names: c.5102_5106dup, p.Gly1703Ter (NM_001397473.1); c.10847_10851dup, p.Gly3618Ter (NM_012090.5); short protein forms G1703*, G3618*, G5680*.
Identifiers: ClinVar variation 3359979 (VCV003359979.1).
Genomic context (GRCh38, chr1:39,429,969, plus strand): 5'-CCTCAGAACTTTAGAGCAAGCCCGGCAGCTGGCCACCAAGTTCCAGTCTACTTATGAGGA[A>ACTGAC]CTGACCGGGTGGCTGAGGGAGGTGGAGGAGGAGCTGGCAACCAGTGGAGGACAGTCTCCC-3'